The following is an entry in ClinVar:

ClinVar aggregate classification (germline): Uncertain significance. Review status: criteria provided, multiple submitters, no conflicts (2 of 4 stars). 2 submissions from 2 submitters: Uncertain significance (2). Last evaluated 2025-09-26.

Conditions:
Atypical hemolytic-uremic syndrome. Identifiers: Orphanet 2134, MedGen C2931788, MONDO:0016244.

Allele frequency attached by ClinVar (database versions not stated): gnomAD exomes below 0.00001; gnomAD 0.00001.
gnomAD v4.1: 3 of 1,614,072 alleles (0.00019%); highest among the groups gnomAD compares: African/African-American, 0.004%; no homozygotes.

Submissions (2):

Genomenon, Inc
Classification: Uncertain significance for Atypical hemolytic-uremic syndrome. Last evaluated: 2025-09-26. Review status: criteria provided, single submitter. Criteria: Genomenon Sequence Variant Interpretation Standards - Updated. Collection method: curation. Allele origin: germline. Affected: yes.
Comment: CFI p.Thr84Lys (c.251C>A) is a missense variant that changes the amino acid at residue 84 from Threonine to Lysine. This variant has been observed in at least one proband affected with atypical hemolytic-uremic syndrome (PMID:33841858). It is absent or not present at a significant frequency in gnomAD. In silico models agree that this variant is not damaging. In conclusion, we classify CFI p.Thr84Lys (c.251C>A) as a variant of unknown significance.

CeGaT Center for Human Genetics Tuebingen
Classification: Uncertain significance. Last evaluated: 2023-07-01. Review status: criteria provided, single submitter. Criteria: CeGaT Center For Human Genetics Tuebingen Variant Classification Criteria Version 2. Collection method: clinical testing. Allele origin: germline. Affected: yes. Observed: 1 variant allele.
Comment: CFI: PM2, PM3:Supporting, PP4, BP4

Literature cited by the submitters: PubMed 33841858 (cited by Genomenon, Inc).

NM_000204.5(CFI):c.251C>A (p.Thr84Lys)

Gene: CFI (complement factor I; minus strand). Cytogenetic location: 4q25.
Variant type: single nucleotide variant.
Coding change: c.251C>A on transcript NM_000204.5 (MANE Select); coding-DNA position 251, C replaced by A.
Protein change: p.Thr84Lys; replaces threonine 84 with lysine.
Molecular consequence: missense variant. On other transcripts: non-coding transcript variant (3), intron variant (1).
Genome position (GRCh38, 1-based): chr4:109,766,631, G>T on the plus strand (C>A on the coding strand, the complement: CFI is on the minus strand). VCF-style: chr4-109766631-G-T. GRCh37 (hg19) VCF-style: chr4-110687787-G-T.
Other names: c.251C>A, p.Thr84Lys (NM_001318057.2, NM_001331035.2, NM_001375278.1 and 5 more transcripts); c.-127-4939C>A (NM_001375284.1); short protein forms T84K.
Identifiers: ClinVar variation 1675956 (VCV001675956.28), dbSNP rs1456422204, ClinGen allele CA357865215.